The following is an entry in ClinVar:

ClinVar aggregate classification (germline): Likely benign. Review status: criteria provided, single submitter (1 of 4 stars). 2 submissions from 2 submitters: Likely benign (1). 1 of the submissions does not count toward it. Last evaluated 2026-09-01.

Conditions:
FMN2-related disorder. Also called: FMN2-related condition.

Allele frequency attached by ClinVar (database versions not stated): ExAC 0.00006; TOPMed 0.00006; gnomAD 0.00013.
gnomAD v4.1: 129 of 1,614,212 alleles (0.008%); highest among the groups gnomAD compares: Non-Finnish European, 0.0095%; no homozygotes.

Submissions (2):

CeGaT Center for Human Genetics Tuebingen
Classification: Likely benign. Last evaluated: 2026-09-01. Review status: criteria provided, single submitter. Criteria: CeGaT Center For Human Genetics Tuebingen Variant Classification Criteria Version 2. Collection method: clinical testing. Allele origin: germline. Affected: yes. Observed: 3 variant alleles.
Comment: FMN2: BP4, BP7

PreventionGenetics, part of Exact Sciences
Classification: Likely benign for FMN2-related condition. Last evaluated: 2020-07-20. Review status: no assertion criteria provided. Collection method: clinical testing. Allele origin: germline. Not counted in ClinVar's aggregate classification.
Comment: This variant is classified as likely benign based on ACMG/AMP sequence variant interpretation guidelines (Richards et al. 2015 PMID: 25741868, with internal and published modifications).

NM_020066.5(FMN2):c.2106A>G (p.Thr702=)

Gene: FMN2 (formin 2; plus strand). Cytogenetic location: 1q43.
Variant type: single nucleotide variant.
Coding change: c.2106A>G on transcript NM_020066.5 (MANE Select); coding-DNA position 2106, A replaced by G.
Protein change: p.Thr702=; no amino-acid change (threonine 702 retained).
Molecular consequence: synonymous variant. On other transcripts: intron variant (1).
Genome position (GRCh38, 1-based): chr1:240,206,918, A>G. VCF-style: chr1-240206918-A-G. GRCh37 (hg19) VCF-style: chr1-240370218-A-G.
Other names: c.2118A>G, p.Thr706= (NM_001305424.2); c.1986+18656A>G (NM_001348094.2).
Identifiers: ClinVar variation 3036699 (VCV003036699.6), dbSNP rs766273136, ClinGen allele CA1476535.